The following is an entry in ClinVar:

NM_001204.7(BMPR2):c.1754A>T (p.Asn585Ile)

Gene: BMPR2 (bone morphogenetic protein receptor type 2; plus strand). Cytogenetic location: 2q33.2.
Variant type: single nucleotide variant.
Coding change: c.1754A>T on transcript NM_001204.7 (MANE Select); coding-DNA position 1754, A replaced by T.
Protein change: p.Asn585Ile; replaces asparagine 585 with isoleucine.
Molecular consequence: missense variant.
Genome position (GRCh38, 1-based): chr2:202,555,419, A>T. VCF-style: chr2-202555419-A-T. GRCh37 (hg19) VCF-style: chr2-203420142-A-T.
Other names: short protein forms N585I.
Identifiers: ClinVar variation 4214510 (VCV004214510.1).

ClinVar aggregate classification (germline): Uncertain significance (1 of 4 stars; one submission).

Conditions:
Inborn genetic diseases. Identifiers: MedGen C0950123, MeSH D030342.

Submission:

Ambry Genetics
Classification: Uncertain significance for Inborn genetic diseases. Last evaluated: 2025-08-20. Review status: criteria provided, single submitter. Criteria: Ambry Variant Classification Scheme 2023. Collection method: clinical testing. Allele origin: germline.
Comment: The p.N585I variant (also known as c.1754A>T), located in coding exon 12 of the BMPR2 gene, results from an A to T substitution at nucleotide position 1754. The asparagine at codon 585 is replaced by isoleucine, an amino acid with dissimilar properties. This amino acid position is conserved. In addition, this alteration is predicted to be deleterious by in silico analysis. Based on the available evidence, the clinical significance of this variant remains unclear.